The following is an entry in ClinVar:

NM_000321.3(RB1):c.158A>C (p.Glu53Ala)

Gene: RB1 (RB transcriptional corepressor 1; plus strand). Cytogenetic location: 13q14.2.
Variant type: single nucleotide variant.
Coding change: c.158A>C on transcript NM_000321.3 (MANE Select); coding-DNA position 158, A replaced by C.
Protein change: p.Glu53Ala; replaces glutamic acid 53 with alanine.
Molecular consequence: missense variant.
Genome position (GRCh38, 1-based): chr13:48,307,300, A>C. VCF-style: chr13-48307300-A-C. GRCh37 (hg19) VCF-style: chr13-48881436-A-C.
Other names: c.158A>C, p.Glu53Ala (NM_001407165.1, NM_001407166.1, NM_001407167.1); short protein forms E53A.
Identifiers: ClinVar variation 2115487 (VCV002115487.7), dbSNP rs2138033924, ClinGen allele CA388250466.

ClinVar aggregate classification (germline): Uncertain significance. Review status: criteria provided, multiple submitters, no conflicts (2 of 4 stars). 3 submissions from 3 submitters: Uncertain significance (3). Last evaluated 2026-01-06.

Conditions:
Retinoblastoma (RB1). Also called: RETINOBLASTOMA, SOMATIC. Identifiers: Orphanet 790, MedGen C0035335, MeSH D012175, MONDO:0008380, OMIM 180200, HP:0009919. Disease mechanism: loss of function. Inheritance: Both sporadic and heritable forms are tested..
Hereditary cancer-predisposing syndrome. Also called: Neoplastic Syndromes, Hereditary; Tumor predisposition; Hereditary Cancer Syndrome; Hereditary neoplastic syndrome. Identifiers: Orphanet 140162, MedGen C0027672, MeSH D009386, MONDO:0015356.

Submissions (3):

Ambry Genetics
Classification: Uncertain significance for Hereditary cancer-predisposing syndrome. Last evaluated: 2026-01-06. Review status: criteria provided, single submitter. Criteria: Ambry Variant Classification Scheme 2023. Collection method: clinical testing. Allele origin: germline.
Comment: The p.E53A variant (also known as c.158A>C), located in coding exon 2 of the RB1 gene, results from an A to C substitution at nucleotide position 158. The glutamic acid at codon 53 is replaced by alanine, an amino acid with dissimilar properties. This amino acid position is conserved. In addition, the in silico prediction for this alteration is inconclusive. Based on the available evidence, the clinical significance of this variant remains unclear.

All of Us Research Program, National Institutes of Health
Classification: Uncertain significance for Retinoblastoma. Last evaluated: 2023-08-28. Review status: criteria provided, single submitter. Criteria: ACMG Guidelines, 2015. Collection method: clinical testing. Allele origin: germline. Inheritance: Autosomal dominant inheritance. Observed: 1 variant allele, 1 heterozygote.
Comment: This missense variant replaces glutamic acid with alanine at codon 53 of the RB1 protein. Computational prediction suggests that this variant may not impact protein structure and function (internally defined REVEL score threshold <= 0.5, PMID: 27666373). To our knowledge, functional studies have not been reported for this variant. This variant has not been reported in individuals affected with RB1-related disorders in the literature. This variant has not been identified in the general population by the Genome Aggregation Database (gnomAD). The available evidence is insufficient to determine the role of this variant in disease conclusively. Therefore, this variant is classified as a Variant of Uncertain Significance.

This study involves interpretation of variants in research participants for the purpose of population health screening. Participant phenotype was not available at the time of variant classification. Additional details can be found in publication PMID: 35346344, PMCID: PMC8962531

Labcorp Genetics (formerly Invitae), Labcorp
Classification: Uncertain significance for Retinoblastoma. Last evaluated: 2022-09-27. Review status: criteria provided, single submitter. Criteria: Invitae Variant Classification Sherloc (09022015). Collection method: clinical testing. Allele origin: germline.
Comment: In summary, the available evidence is currently insufficient to determine the role of this variant in disease. Therefore, it has been classified as a Variant of Uncertain Significance. Algorithms developed to predict the effect of missense changes on protein structure and function (SIFT, PolyPhen-2, Align-GVGD) all suggest that this variant is likely to be tolerated. This variant has not been reported in the literature in individuals affected with RB1-related conditions. This variant is not present in population databases (gnomAD no frequency). This sequence change replaces glutamic acid, which is acidic and polar, with alanine, which is neutral and non-polar, at codon 53 of the RB1 protein (p.Glu53Ala).